The following is an entry in ClinVar:

ClinVar aggregate classification (germline): Pathogenic (1 of 4 stars; one submission).

Conditions:
Ataxia-telangiectasia syndrome (AT). Also called: Ataxia telangiectasia (A-T); ATAXIA-TELANGIECTASIA, COMPLEMENTATION GROUP A; ATAXIA-TELANGIECTASIA, FRESNO VARIANT; Ataxia-telangiectasia; Ataxia-telangiectasia, complementation group E; LOUIS-BAR SYNDROME. Identifiers: Orphanet 100, MedGen C0004135, MONDO:0008840, OMIM 208900.

Submission:

Labcorp Genetics (formerly Invitae), Labcorp
Classification: Pathogenic for Ataxia-telangiectasia syndrome. Last evaluated: 2023-12-06. Review status: criteria provided, single submitter. Criteria: Invitae Variant Classification Sherloc (09022015). Collection method: clinical testing. Allele origin: germline.
Comment: This sequence change creates a premature translational stop signal (p.Tyr2009Thrfs*4) in the ATM gene. It is expected to result in an absent or disrupted protein product. Loss-of-function variants in ATM are known to be pathogenic (PMID: 23807571, 25614872). This variant is not present in population databases (gnomAD no frequency). This variant has not been reported in the literature in individuals affected with ATM-related conditions. ClinVar contains an entry for this variant (Variation ID: 1075138). Algorithms developed to predict the effect of sequence changes on RNA splicing suggest that this variant may disrupt the consensus splice site. For these reasons, this variant has been classified as Pathogenic.

Literature cited by the submitters: PubMed 23807571; PubMed 25614872.

NM_000051.4(ATM):c.6024del (p.Tyr2009fs)

Genes: ATM (ATM serine/threonine kinase; plus strand), C11orf65 (chromosome 11 open reading frame 65; minus strand). Cytogenetic location: 11q22.3.
Variant type: Deletion.
Coding change: c.6024del on transcript NM_000051.4 (MANE Select); coding-DNA position 6024, one base deleted (C; older notation c.6024delC).
Protein change: p.Tyr2009fs; shifts the reading frame from tyrosine 2009.
Molecular consequence: frameshift variant. On other transcripts: intron variant (2).
Genome position (GRCh38, 1-based): chr11:108,315,840, C deleted. VCF-style (leftmost placement, unchanged base first): chr11-108315839-TC-T. GRCh37 (hg19) VCF-style: chr11-108186566-TC-T.
Other names: c.6024del, p.Tyr2009fs (NM_001351834.2); c.641-6769del (NM_001330368.2); c.*39-6769del (NM_001351110.2); short protein forms Y2009fs.
Identifiers: ClinVar variation 1075138 (VCV001075138.45), dbSNP rs2136118352, ClinGen allele CA2499220676.
Genomic context (GRCh38, chr11:108,315,839, plus strand): 5'-GATTTTTTTTCCTTCTTCAATTTTTGTTGTTTCCATGTTTTCAGGATCTTCTCTTAGAAA[TC>T]TACAGAAGTATAGGGGAGCCAGATAGTTTGTATGGCTGTGGTGGAGGGAAGATGTTACAA-3'